The following is an entry in ClinVar:

ClinVar aggregate classification (germline): Conflicting classifications of pathogenicity. Review status: criteria provided, conflicting classifications (1 of 4 stars). 2 submissions from 2 submitters: Uncertain significance (1); Likely benign (1). Last evaluated 2024-02-28.

Conditions:
Inborn genetic diseases. Identifiers: MedGen C0950123, MeSH D030342.
Intellectual developmental disorder, autosomal dominant 43. Also called: Intellectual disability, autosomal dominant 43. Identifiers: MedGen C4707429, MONDO:0014858, OMIM 616977.

gnomAD v4.1: 16 of 1,612,774 alleles (0.00099%); highest among the groups gnomAD compares: South Asian, 0.018%; no homozygotes.

Submissions (2):

Ambry Genetics
Classification: Likely benign for Inborn genetic diseases. Last evaluated: 2024-02-28. Review status: criteria provided, single submitter. Criteria: Ambry Variant Classification Scheme 2023. Collection method: clinical testing. Allele origin: germline.

Neuberg Centre For Genomic Medicine, NCGM
Classification: Uncertain significance for Intellectual developmental disorder, autosomal dominant 43. Review status: criteria provided, single submitter. Criteria: ACMG Guidelines, 2015. Collection method: clinical testing. Allele origin: germline. Inheritance: Autosomal dominant inheritance. Affected: yes.
Comment: The observed missense c.6475G>C (p.Gly2159Arg) variant in HIVEP2 gene has not been reported previously as a pathogenic variant nor as a benign variant, to our knowledge. Another variant on the same codon [c.6475G>T, p.Gly2159X] of HIVEP2 gene has been reported previously in an individual affected with developmental delay, intellectual disabilities, and mild dysmorphic features (Steinfeld et al., 2016). The p.Gly2159Arg variant is present with allele frequency of 0.002% in gnomAD Exomes. This variant has not been submitted to the ClinVar database. Computational evidence (Polyphen - Probably Damaging, SIFT - Tolerated and MutationTaster - Disease Causing) predicts conflicting evidence on protein structure and function for this variant. The reference amino acid of p.Gly2159Arg in HIVEP2 is predicted as conserved by GERP++ and PhyloP across 100 vertebrates. The amino acid Gly at position 2159 is changed to a Arg changing protein sequence and it might alter its composition and physico-chemical properties. For these reasons, this variant has been classified as a Variant of Uncertain Significance (VUS).

NM_006734.4(HIVEP2):c.6475G>C (p.Gly2159Arg)

Gene: HIVEP2 (HIVEP zinc finger 2; minus strand). Cytogenetic location: 6q24.2.
Variant type: single nucleotide variant.
Coding change: c.6475G>C on transcript NM_006734.4 (MANE Select); coding-DNA position 6475, G replaced by C.
Protein change: p.Gly2159Arg; replaces glycine 2159 with arginine.
Molecular consequence: missense variant.
Genome position (GRCh38, 1-based): chr6:142,759,813, C>G on the plus strand (G>C on the coding strand, the complement: HIVEP2 is on the minus strand). VCF-style: chr6-142759813-C-G. GRCh37 (hg19) VCF-style: chr6-143080950-C-G.
Other names: short protein forms G2159R.
Identifiers: ClinVar variation 3106061 (VCV003106061.4), dbSNP rs761993070, ClinGen allele CA4027690.